The following is an entry in ClinVar:

ClinVar aggregate classification (germline): Uncertain significance (1 of 4 stars; one submission).

Conditions:
Ataxia-telangiectasia syndrome (AT). Also called: ATAXIA-TELANGIECTASIA, COMPLEMENTATION GROUP A; ATAXIA-TELANGIECTASIA, FRESNO VARIANT; Ataxia-telangiectasia; Ataxia-telangiectasia, complementation group E; LOUIS-BAR SYNDROME; Cerebello-oculocutaneous telangiectasia. Identifiers: Orphanet 100, MedGen C0004135, MONDO:0008840, OMIM 208900.

Submission:

Labcorp Genetics (formerly Invitae), Labcorp
Classification: Uncertain significance for Ataxia-telangiectasia syndrome. Last evaluated: 2025-01-29. Review status: criteria provided, single submitter. Criteria: Invitae Variant Classification Sherloc (09022015). Collection method: clinical testing. Allele origin: germline.
Comment: This sequence change falls in intron 52 of the ATM gene. It does not directly change the encoded amino acid sequence of the ATM protein. This variant is not present in population databases (gnomAD no frequency). This variant has not been reported in the literature in individuals affected with ATM-related conditions. ClinVar contains an entry for this variant (Variation ID: 2160913). Algorithms developed to predict the effect of sequence changes on RNA splicing suggest that this variant may disrupt the consensus splice site. In summary, the available evidence is currently insufficient to determine the role of this variant in disease. Therefore, it has been classified as a Variant of Uncertain Significance.

NM_000051.4(ATM):c.7789-19_7789-16del

Genes: C11orf65 (chromosome 11 open reading frame 65; minus strand), ATM (ATM serine/threonine kinase; plus strand). Cytogenetic location: 11q22.3.
Variant type: Deletion.
Coding change: c.7789-19_7789-16del on transcript NM_000051.4 (MANE Select); 19 bases into the intron before coding-DNA position 7789 through 16 bases into the intron before coding-DNA position 7789, 4 bases deleted (TTTT; older notation c.7789-19_7789-16delTTTT).
Molecular consequence: intron variant.
Genome position (GRCh38, 1-based): chr11:108,332,743-108,332,746, TTTT deleted; deleting any 4 consecutive bases within chr11:108,332,741-108,332,746 gives the same sequence; the c. name uses the placement nearest the transcript's 3' end. VCF-style (leftmost placement, unchanged base first): chr11-108332740-GTTTT-G. GRCh37 (hg19) VCF-style: chr11-108203467-GTTTT-G.
Other names: c.7789-19_7789-16del (NM_001351834.2); c.641-23673_641-23670del (NM_001330368.2); c.*38+2476_*38+2479del (NM_001351110.2).
Identifiers: ClinVar variation 2160913 (VCV002160913.3), dbSNP rs776103192, ClinGen allele CA2580083546.
Genomic context (GRCh38, chr11:108,332,740, plus strand): 5'-TTTTTCTCTTTGTTTTTCTAACTCTGAGAAGTTTAAATGTTGGGTAGTTCCTTATGTAAT[GTTTT>G]TTGTTTTTTATTAATAGGATCGAACAGAGGCTGCAAATAGAATAATATGTACTATCAGAA-3'